The following is an entry in ClinVar:

NM_006231.4(POLE):c.2606C>T (p.Pro869Leu)

Gene: POLE (DNA polymerase epsilon, catalytic subunit; minus strand). Cytogenetic location: 12q24.33.
Variant type: single nucleotide variant.
Coding change: c.2606C>T on transcript NM_006231.4 (MANE Select); coding-DNA position 2606, C replaced by T.
Protein change: p.Pro869Leu; replaces proline 869 with leucine.
Molecular consequence: missense variant.
Genome position (GRCh38, 1-based): chr12:132,664,104, G>A on the plus strand (C>T on the coding strand, the complement: POLE is on the minus strand). VCF-style: chr12-132664104-G-A. GRCh37 (hg19) VCF-style: chr12-133240690-G-A.
Other names: short protein forms P869L.
Identifiers: ClinVar variation 3422111 (VCV003422111.1).

ClinVar aggregate classification (germline): Uncertain significance (1 of 4 stars; one submission).

Conditions:
Hereditary cancer-predisposing syndrome. Also called: Neoplastic Syndromes, Hereditary; Tumor predisposition; Hereditary Cancer Syndrome; Hereditary neoplastic syndrome. Identifiers: Orphanet 140162, MedGen C0027672, MeSH D009386, MONDO:0015356.

Submission:

Ambry Genetics
Classification: Uncertain significance for Hereditary cancer-predisposing syndrome. Last evaluated: 2024-07-09. Review status: criteria provided, single submitter. Criteria: Ambry Variant Classification Scheme 2023. Collection method: clinical testing. Allele origin: germline.
Comment: The p.P869L variant (also known as c.2606C>T), located in coding exon 23 of the POLE gene, results from a C to T substitution at nucleotide position 2606. The proline at codon 869 is replaced by leucine, an amino acid with similar properties. This amino acid position is conserved. In addition, the in silico prediction for this alteration is inconclusive. Based on the available evidence, the clinical significance of this variant remains unclear.